The following is an entry in ClinVar:

ClinVar aggregate classification (germline): Uncertain significance (1 of 4 stars; one submission).

Allele frequency attached by ClinVar (database versions not stated): gnomAD 0.00001; gnomAD exomes 0.00001 and 0.00002; ExAC 0.00002.
gnomAD v4.1: 16 of 1,613,674 alleles (0.00099%); highest among the groups gnomAD compares: Admixed American, 0.017%; no homozygotes.

Submission:

Labcorp Genetics (formerly Invitae), Labcorp
Classification: Uncertain significance. Last evaluated: 2022-02-14. Review status: criteria provided, single submitter. Criteria: Invitae Variant Classification Sherloc (09022015). Collection method: clinical testing. Allele origin: germline.
Comment: This sequence change replaces methionine, which is neutral and non-polar, with valine, which is neutral and non-polar, at codon 2096 of the PCLO protein (p.Met2096Val). This variant is present in population databases (rs762687315, gnomAD 0.02%). This variant has not been reported in the literature in individuals affected with PCLO-related conditions. Algorithms developed to predict the effect of missense changes on protein structure and function output the following: SIFT: "Tolerated"; PolyPhen-2: "Not Available"; Align-GVGD: "Class C0". The valine amino acid residue is found in multiple mammalian species, which suggests that this missense change does not adversely affect protein function. In summary, the available evidence is currently insufficient to determine the role of this variant in disease. Therefore, it has been classified as a Variant of Uncertain Significance.

NM_033026.6(PCLO):c.6286A>G (p.Met2096Val)

Gene: PCLO (piccolo presynaptic cytomatrix protein; minus strand). Cytogenetic location: 7q21.11.
Variant type: single nucleotide variant.
Coding change: c.6286A>G on transcript NM_033026.6 (MANE Select); coding-DNA position 6286, A replaced by G.
Protein change: p.Met2096Val; replaces methionine 2096 with valine.
Molecular consequence: missense variant.
Genome position (GRCh38, 1-based): chr7:82,954,667, T>C on the plus strand (A>G on the coding strand, the complement: PCLO is on the minus strand). VCF-style: chr7-82954667-T-C. GRCh37 (hg19) VCF-style: chr7-82583983-T-C.
Other names: c.6286A>G, p.Met2096Val (NM_014510.3); short protein forms M2096V.
Identifiers: ClinVar variation 1439921 (VCV001439921.6), dbSNP rs762687315, ClinGen allele CA4320502.